The following is an entry in ClinVar:

NM_021930.6(RINT1):c.389C>A (p.Ala130Asp)

Gene: RINT1 (RAD50 interactor 1; plus strand). Cytogenetic location: 7q22.3.
Variant type: single nucleotide variant.
Coding change: c.389C>A on transcript NM_021930.6 (MANE Select); coding-DNA position 389, C replaced by A.
Protein change: p.Ala130Asp; replaces alanine 130 with aspartic acid.
Molecular consequence: missense variant. On other transcripts: 5 prime UTR variant (3), non-coding transcript variant (1).
Genome position (GRCh38, 1-based): chr7:105,542,523, C>A. VCF-style: chr7-105542523-C-A. GRCh37 (hg19) VCF-style: chr7-105182970-C-A.
Other names: c.155C>A, p.Ala52Asp (NM_001346599.2); c.-631C>A (NM_001346600.2); c.-534C>A (NM_001346601.2); c.-154C>A (NM_001346603.2); short protein forms A52D, A130D.
Identifiers: ClinVar variation 4154617 (VCV004154617.1).

ClinVar aggregate classification (germline): Uncertain significance (1 of 4 stars; one submission).

Submission:

Ambry Genetics
Classification: Uncertain significance. Last evaluated: 2025-08-03. Review status: criteria provided, single submitter. Criteria: Ambry Variant Classification Scheme 2023. Collection method: clinical testing. Allele origin: germline.
Comment: The p.A130D variant (also known as c.389C>A), located in coding exon 4 of the RINT1 gene, results from a C to A substitution at nucleotide position 389. The alanine at codon 130 is replaced by aspartic acid, an amino acid with dissimilar properties. This amino acid position is conserved. In addition, this alteration is predicted to be tolerated by in silico analysis. Based on the available evidence, the clinical significance of this variant remains unclear.